The following is an entry in ClinVar:

ClinVar aggregate classification (germline): Uncertain significance. Review status: criteria provided, single submitter (1 of 4 stars). 2 submissions from 2 submitters: Uncertain significance (1). 1 of the submissions does not count toward it. Last evaluated 2022-09-19.

Allele frequency attached by ClinVar (database versions not stated): gnomAD 0.00003; gnomAD exomes 0.00004 and 0.00007; ESP Exome Variant Server 0.00008; ExAC 0.00010.
gnomAD v4.1: 63 of 1,614,006 alleles (0.0039%); highest among the groups gnomAD compares: Non-Finnish European, 0.0046%; no homozygotes.

Submissions (2):

Labcorp Genetics (formerly Invitae), Labcorp
Classification: Uncertain significance. Last evaluated: 2022-09-19. Review status: criteria provided, single submitter. Criteria: Invitae Variant Classification Sherloc (09022015). Collection method: clinical testing. Allele origin: germline.
Comment: In summary, the available evidence is currently insufficient to determine the role of this variant in disease. Therefore, it has been classified as a Variant of Uncertain Significance. Advanced modeling of protein sequence and biophysical properties (such as structural, functional, and spatial information, amino acid conservation, physicochemical variation, residue mobility, and thermodynamic stability) performed at Invitae indicates that this missense variant is not expected to disrupt FAT2 protein function. ClinVar contains an entry for this variant (Variation ID: 1049105). This variant has not been reported in the literature in individuals affected with FAT2-related conditions. This variant is present in population databases (rs374714763, gnomAD 0.01%). This sequence change replaces alanine, which is neutral and non-polar, with threonine, which is neutral and polar, at codon 1562 of the FAT2 protein (p.Ala1562Thr).

Department of Pathology and Laboratory Medicine, Sinai Health System
Classification: Uncertain significance. Review status: no assertion criteria provided. Collection method: clinical testing. Allele origin: unknown. Affected: yes. Study: The Canadian Open Genetics Repository (COGR). Not counted in ClinVar's aggregate classification.
Comment: The FAT2 p.Ala1562Thr variant was not identified in the literature nor was it identified in ClinVar, Cosmic or LOVD 3.0. The variant was identified in dbSNP (ID: rs374714763) and in control databases in 18 of 251128 chromosomes at a frequency of 0.000072 (Genome Aggregation Database Feb 27, 2017). The variant was observed in the following populations: Other in 1 of 6128 chromosomes (freq: 0.000163), European (non-Finnish) in 16 of 113456 chromosomes (freq: 0.000141) and European (Finnish) in 1 of 21640 chromosomes (freq: 0.000046), while the variant was not observed in the African, Latino, Ashkenazi Jewish, East Asian or South Asian populations. The p.Ala1562 residue is not conserved in mammals and four out of five computational analyses (PolyPhen-2, SIFT, AlignGVGD, BLOSUM) do not suggest a high likelihood of impact to the protein; however, this information is not predictive enough to rule out pathogenicity. The variant occurs outside of the splicing consensus sequence and 3 of 4 in silico or computational prediction software programs (MaxEntScan, NNSPLICE, GeneSplicer) do not predict a difference in splicing. In summary, based on the above information the clinical significance of this variant cannot be determined with certainty at this time. This variant is classified as a variant of uncertain significance.

NM_001447.3(FAT2):c.4684G>A (p.Ala1562Thr)

Genes: SLC36A1 (solute carrier family 36 member 1; plus strand), FAT2 (FAT atypical cadherin 2; minus strand). Cytogenetic location: 5q33.1.
Variant type: single nucleotide variant.
Coding change: c.4684G>A on transcript NM_001447.3 (MANE Select); coding-DNA position 4684, G replaced by A.
Protein change: p.Ala1562Thr; replaces alanine 1562 with threonine.
Molecular consequence: missense variant.
Genome position (GRCh38, 1-based): chr5:151,549,400, C>T on the plus strand (G>A on the coding strand, the complement: FAT2 is on the minus strand). VCF-style: chr5-151549400-C-T. GRCh37 (hg19) VCF-style: chr5-150928961-C-T.
Other names: short protein forms A1562T.
Identifiers: ClinVar variation 1049105 (VCV001049105.6), dbSNP rs374714763, ClinGen allele CA3521486.